The following is an entry in ClinVar:

NM_015001.3(SPEN):c.895AGT[1] (p.Ser302del)

Gene: SPEN (spen family transcriptional repressor; plus strand). Cytogenetic location: 1p36.13.
Variant type: Microsatellite.
Coding change: c.895AGT[1] on transcript NM_015001.3 (MANE Select); one copy of the 3-base unit AGT starting at c.895; the reference has two copies in a row; one copy, 3 bases deleted.
Protein change: p.Ser302del; deletes serine 302.
Molecular consequence: inframe deletion.
Genome position (GRCh38, 1-based): chr1:15,909,337-15,909,339, AGT deleted; deleting any 3 consecutive bases within chr1:15,909,334-15,909,339 gives the same sequence; the position shown is the placement nearest the transcript's 3' end. VCF-style (leftmost placement, unchanged base first): chr1-15909333-CAGT-C. GRCh37 (hg19) VCF-style: chr1-16235828-CAGT-C.
Other names: short protein forms S302del.
Identifiers: ClinVar variation 1879077 (VCV001879077.29), dbSNP rs2523028156, ClinGen allele CA2580611418.

ClinVar aggregate classification (germline): Uncertain significance (1 of 4 stars; one submission).

Submission:

CeGaT Center for Human Genetics Tuebingen
Classification: Uncertain significance. Last evaluated: 2022-10-01. Review status: criteria provided, single submitter. Criteria: CeGaT Center For Human Genetics Tuebingen Variant Classification Criteria Version 2. Collection method: clinical testing. Allele origin: germline. Affected: yes. Observed: 1 variant allele.
Comment: SPEN: PM2, BP1